The following is an entry in ClinVar:

ClinVar aggregate classification (germline): Benign. Review status: criteria provided, single submitter (1 of 4 stars). 2 submissions from 2 submitters: Benign (1). 1 of the submissions does not count toward it. Last evaluated 2021-05-04.

Conditions:
ITPR3-related disorder. Also called: ITPR3-related condition.

Allele frequency attached by ClinVar (database versions not stated): 1000 Genomes Project 30x 0.09838; 1000 Genomes Project 0.10084; gnomAD 0.14337 and 0.14565; ESP Exome Variant Server 0.14439; TOPMed 0.14659; gnomAD exomes 0.14785 and 0.16794; ExAC 0.15140.
gnomAD v4.1: 266,748 of 1,611,072 alleles (17%); highest among the groups gnomAD compares: Middle Eastern, 19%; 23,613 homozygotes.

Submissions (2):

GeneDx
Classification: Benign. Last evaluated: 2021-05-04. Review status: criteria provided, single submitter. Criteria: GeneDx Variant Classification Process June 2021. Collection method: clinical testing. Allele origin: germline. Affected: yes.

PreventionGenetics, part of Exact Sciences
Classification: Benign for ITPR3-related condition. Last evaluated: 2019-11-18. Review status: no assertion criteria provided. Collection method: clinical testing. Allele origin: germline. Not counted in ClinVar's aggregate classification.
Comment: This variant is classified as benign based on ACMG/AMP sequence variant interpretation guidelines (Richards et al. 2015 PMID: 25741868, with internal and published modifications).

NM_002224.4(ITPR3):c.4225-9A>G

Gene: ITPR3 (inositol 1,4,5-trisphosphate receptor type 3; plus strand). Cytogenetic location: 6p21.31.
Variant type: single nucleotide variant.
Coding change: c.4225-9A>G on transcript NM_002224.4 (MANE Select); 9 bases into the intron before coding-DNA position 4225, A replaced by G.
Molecular consequence: intron variant.
Genome position (GRCh38, 1-based): chr6:33,680,320, A>G. VCF-style: chr6-33680320-A-G. GRCh37 (hg19) VCF-style: chr6-33648097-A-G.
Other names: c.4225-9A>G (NM_002224.3).
Identifiers: ClinVar variation 1293570 (VCV001293570.4), dbSNP rs9469554, ClinGen allele CA3761183.